The following is an entry in ClinVar:

ClinVar aggregate classification (germline): Uncertain significance (1 of 4 stars; one submission).

Submission:

Ambry Genetics
Classification: Uncertain significance. Last evaluated: 2025-01-16. Review status: criteria provided, single submitter. Criteria: Ambry Variant Classification Scheme 2023. Collection method: clinical testing. Allele origin: germline.
Comment: The p.V630G variant (also known as c.1889T>G), located in coding exon 11 of the PALLD gene, results from a T to G substitution at nucleotide position 1889. The valine at codon 630 is replaced by glycine, an amino acid with dissimilar properties. This amino acid position is conserved. In addition, this alteration is predicted to be deleterious by in silico analysis. Based on the available evidence, the clinical significance of this variant remains unclear.

NM_001166108.2(PALLD):c.*75T>G

Genes: CBR4 (carbonyl reductase 4; minus strand), PALLD (palladin, cytoskeletal associated protein; plus strand). Cytogenetic location: 4q32.3.
Variant type: single nucleotide variant.
Coding change: c.*75T>G on transcript NM_001166108.2 (MANE Select); 75 bases downstream of the stop codon, T replaced by G.
Molecular consequence: 3 prime UTR variant. On other transcripts: missense variant (4).
Genome position (GRCh38, 1-based): chr4:168,926,255, T>G. VCF-style: chr4-168926255-T-G. GRCh37 (hg19) VCF-style: chr4-169847406-T-G.
Other names: c.2204T>G, p.Val735Gly (NM_001166109.2); c.1889T>G, p.Val630Gly (NM_001166110.2); c.*75T>G (NM_001367567.1, NM_001367570.1, NM_016081.4); c.1280T>G, p.Val427Gly (NM_001367568.1); c.1229T>G, p.Val410Gly (NM_001367569.1); short protein forms V630G, V735G, V427G, V410G.
Identifiers: ClinVar variation 3885312 (VCV003885312.1).